The following is an entry in ClinVar:

NM_031310.3(PLVAP):c.993C>T (p.Ala331=)

Gene: PLVAP (plasmalemma vesicle associated protein; minus strand). Cytogenetic location: 19p13.11.
Variant type: single nucleotide variant.
Coding change: c.993C>T on transcript NM_031310.3 (MANE Select); coding-DNA position 993, C replaced by T.
Protein change: p.Ala331=; no amino-acid change (alanine 331 retained).
Molecular consequence: synonymous variant.
Genome position (GRCh38, 1-based): chr19:17,365,472, G>A on the plus strand (C>T on the coding strand, the complement: PLVAP is on the minus strand). VCF-style: chr19-17365472-G-A. GRCh37 (hg19) VCF-style: chr19-17476281-G-A.
Other names: c.993C>T (NM_031310.2).
Identifiers: ClinVar variation 3698096 (VCV003698096.3).

ClinVar aggregate classification (germline): Likely benign. Review status: criteria provided, multiple submitters, no conflicts (2 of 4 stars). 2 submissions from 2 submitters: Likely benign (2). Last evaluated 2025-09-26.

Conditions:
PLVAP-related disorder. Also called: PLVAP-related condition.

gnomAD v4.1: 13 of 1,612,618 alleles (0.00081%); highest among the groups gnomAD compares: East Asian, 0.013%; no homozygotes.

Submissions (2):

PreventionGenetics, part of Exact Sciences
Classification: Likely benign for PLVAP-related condition. Last evaluated: 2025-09-26. Review status: criteria provided, single submitter. Criteria: ACMG Guidelines, 2015. Collection method: clinical testing. Allele origin: germline.
Comment: This variant is classified as likely benign based on ACMG/AMP sequence variant interpretation guidelines (Richards et al. 2015 PMID: 25741868, with internal and published modifications).

Labcorp Genetics (formerly Invitae), Labcorp
Classification: Likely benign. Last evaluated: 2024-12-18. Review status: criteria provided, single submitter. Criteria: Invitae Variant Classification Sherloc (09022015). Collection method: clinical testing. Allele origin: germline.